The following is an entry in ClinVar:

ClinVar aggregate classification (germline): Uncertain significance. Review status: criteria provided, multiple submitters, no conflicts (2 of 4 stars). 2 submissions from 2 submitters: Uncertain significance (2). Last evaluated 2024-08-09.

Conditions:
Peroxisome biogenesis disorder 9B. Also called: PEX7-Related Refsum Disease; PEROXISOME BIOGENESIS DISORDER, PEX7-RELATED, ATYPICAL; Refsum disease, adult, 2. Identifiers: Orphanet 773, MedGen C2749346, MONDO:0013945, OMIM 614879.

Allele frequency attached by ClinVar (database versions not stated): TOPMed 0.00002.
gnomAD v4.1: 4 of 1,522,268 alleles (0.00026%); highest among the groups gnomAD compares: Admixed American, 0.008%; no homozygotes.

Submissions (2):

ARUP Laboratories, Molecular Genetics and Genomics, ARUP Laboratories
Classification: Uncertain significance. Last evaluated: 2024-08-09. Review status: criteria provided, single submitter. Criteria: ARUP Molecular Germline Variant Investigation Process 2024. Collection method: clinical testing. Allele origin: germline.
Comment: The PEX7 c.22G>C; p.Ala8Pro variant (rs1427240247), to our knowledge, is not reported in the medical literature but is reported in ClinVar (Variation ID: 2063358). This variant is only observed on five alleles in the Genome Aggregation Database (v2.1.1), indicating it is not a common polymorphism. Computational analyses predict that this variant is neutral (REVEL: 0.055). Due to limited information, the clinical significance of this variant is uncertain at this time.

Labcorp Genetics (formerly Invitae), Labcorp
Classification: Uncertain significance for Peroxisome biogenesis disorder 9B. Last evaluated: 2024-06-21. Review status: criteria provided, single submitter. Criteria: Invitae Variant Classification Sherloc (09022015). Collection method: clinical testing. Allele origin: germline.
Comment: This sequence change replaces alanine, which is neutral and non-polar, with proline, which is neutral and non-polar, at codon 8 of the PEX7 protein (p.Ala8Pro). This variant is present in population databases (no rsID available, gnomAD 0.02%). This variant has not been reported in the literature in individuals affected with PEX7-related conditions. ClinVar contains an entry for this variant (Variation ID: 2063358). Algorithms developed to predict the effect of missense changes on protein structure and function output the following: SIFT: "Not Available"; PolyPhen-2: "Benign"; Align-GVGD: "Not Available". The proline amino acid residue is found in multiple mammalian species, which suggests that this missense change does not adversely affect protein function. In summary, the available evidence is currently insufficient to determine the role of this variant in disease. Therefore, it has been classified as a Variant of Uncertain Significance.

NM_000288.4(PEX7):c.22G>C (p.Ala8Pro)

Gene: PEX7 (peroxisomal biogenesis factor 7; plus strand). Cytogenetic location: 6q23.3.
Variant type: single nucleotide variant.
Coding change: c.22G>C on transcript NM_000288.4 (MANE Select); coding-DNA position 22, G replaced by C.
Protein change: p.Ala8Pro; replaces alanine 8 with proline.
Molecular consequence: missense variant.
Genome position (GRCh38, 1-based): chr6:136,822,687, G>C. VCF-style: chr6-136822687-G-C. GRCh37 (hg19) VCF-style: chr6-137143825-G-C.
Other names: short protein forms A8P.
Identifiers: ClinVar variation 2063358 (VCV002063358.3), dbSNP rs1427240247, ClinGen allele CA365855091.